The following is an entry in ClinVar:

ClinVar aggregate classification (germline): Uncertain significance (1 of 4 stars; one submission).

Conditions:
Myofibrillar myopathy 5. Also called: FILAMINOPATHY, AUTOSOMAL DOMINANT; Filaminopathy (type). Identifiers: Orphanet 171445, MedGen C1836050, MONDO:0012289, OMIM 609524.
Hypertrophic cardiomyopathy 26. Also called: Cardiomyopathy, familial hypertrophic, 26. Identifiers: Orphanet 75249, MedGen C4310749, MONDO:0014883, OMIM 617047.
Distal myopathy with posterior leg and anterior hand involvement. Also called: WILLIAMS DISTAL MYOPATHY. Identifiers: Orphanet 63273, MedGen C3279722, MONDO:0013550, OMIM 614065.

Submission:

Labcorp Genetics (formerly Invitae), Labcorp
Classification: Uncertain significance for Distal myopathy with posterior leg and anterior hand involvement; Myofibrillar myopathy 5; Hypertrophic cardiomyopathy 26. Last evaluated: 2023-12-11. Review status: criteria provided, single submitter. Criteria: Invitae Variant Classification Sherloc (09022015). Collection method: clinical testing. Allele origin: germline.
Comment: This sequence change replaces proline, which is neutral and non-polar, with threonine, which is neutral and polar, at codon 2505 of the FLNC protein (p.Pro2505Thr). This variant is not present in population databases (gnomAD no frequency). This variant has not been reported in the literature in individuals affected with FLNC-related conditions. Advanced modeling of protein sequence and biophysical properties (such as structural, functional, and spatial information, amino acid conservation, physicochemical variation, residue mobility, and thermodynamic stability) performed at Invitae indicates that this missense variant is not expected to disrupt FLNC protein function with a negative predictive value of 80%. In summary, the available evidence is currently insufficient to determine the role of this variant in disease. Therefore, it has been classified as a Variant of Uncertain Significance.

NM_001458.5(FLNC):c.7513C>A (p.Pro2505Thr)

Genes: FLNC (filamin C; plus strand), FLNC-AS1 (FLNC antisense RNA 1; minus strand). Cytogenetic location: 7q32.1.
Variant type: single nucleotide variant.
Coding change: c.7513C>A on transcript NM_001458.5 (MANE Select); coding-DNA position 7513, C replaced by A.
Protein change: p.Pro2505Thr; replaces proline 2505 with threonine.
Molecular consequence: missense variant.
Genome position (GRCh38, 1-based): chr7:128,856,873, C>A. VCF-style: chr7-128856873-C-A. GRCh37 (hg19) VCF-style: chr7-128496927-C-A.
Other names: c.7414C>A, p.Pro2472Thr (NM_001127487.2); short protein forms P2472T, P2505T.
Identifiers: ClinVar variation 2921315 (VCV002921315.3), dbSNP rs2536670526, ClinGen allele CA369218749.